The following is an entry in ClinVar:

NM_001371904.1(APOA5):c.272G>A (p.Gly91Asp)

Gene: APOA5 (apolipoprotein A5; minus strand). Cytogenetic location: 11q23.3.
Variant type: single nucleotide variant.
Coding change: c.272G>A on transcript NM_001371904.1 (MANE Select); coding-DNA position 272, G replaced by A.
Protein change: p.Gly91Asp; replaces glycine 91 with aspartic acid.
Molecular consequence: missense variant.
Genome position (GRCh38, 1-based): chr11:116,790,957, C>T on the plus strand (G>A on the coding strand, the complement: APOA5 is on the minus strand). VCF-style: chr11-116790957-C-T. GRCh37 (hg19) VCF-style: chr11-116661673-C-T.
Other names: c.272G>A, p.Gly91Asp (NM_001166598.2, NM_052968.5); short protein forms G91D.
Identifiers: ClinVar variation 1795279 (VCV001795279.2), dbSNP rs778824656, ClinGen allele CA6289106.
Genomic context (GRCh38, chr11:116,790,957, plus strand): 5'-ATGTAGGGCTGGAGGCGAGCCTTCACCTCCTCCAACTCCTCCTGCAGCTGCCGCCGCATG[C>T]CCACCGGGTCCTGTGGGAGCCGAGGAGCCTCGCTCCCACTCAGAGGCCTCAGCTTTTCCA-3'
Protein context (NP_001358833.1, residues 81-101): EAPRLPQDPV[Gly91Asp]MRRQLQEELE

ClinVar aggregate classification (germline): Uncertain significance (1 of 4 stars; one submission).

Conditions:
Cardiovascular phenotype. Identifiers: MedGen CN230736.

Allele frequency attached by ClinVar (database versions not stated): ExAC 0.00001; gnomAD 0.00001; TOPMed 0.00001; gnomAD exomes 0.00004.

Submission:

Ambry Genetics
Classification: Uncertain significance for Cardiovascular phenotype. Last evaluated: 2022-03-30. Review status: criteria provided, single submitter. Criteria: Ambry Variant Classification Scheme 2023. Collection method: clinical testing. Allele origin: germline.
Comment: The p.G91D variant (also known as c.272G>A), located in coding exon 3 of the APOA5 gene, results from a G to A substitution at nucleotide position 272. The glycine at codon 91 is replaced by aspartic acid, an amino acid with similar properties. This amino acid position is conserved. In addition, this alteration is predicted to be tolerated by in silico analysis. Since supporting evidence is limited at this time, the clinical significance of this alteration remains unclear.